The following is an entry in ClinVar:

ClinVar aggregate classification (germline): Uncertain significance (1 of 4 stars; one submission).

Conditions:
Maturity-onset diabetes of the young type 4 (MODY4). Also called: Maturity-onset diabetes of the young, type IV; MODY, type IV. Identifiers: Orphanet 552, MedGen C1833382, MONDO:0011667, OMIM 606392.

Submission:

3billion
Classification: Uncertain significance for Maturity-onset diabetes of the young type 4. Last evaluated: 2025-08-20. Review status: criteria provided, single submitter. Criteria: ACMG Guidelines, 2015. Collection method: clinical testing. Allele origin: germline. Affected: yes.
Comment: The variant is not observed in the gnomAD v4.1.0 dataset. Predicted Consequence/Location: Missense variant In silico tool predictions suggest damaging effect of the variant on gene or gene product [REVEL: 0.67 (>=0.6, sensitivity 0.68 and specificity 0.92)]. The same nucleotide change resulting in the same amino acid change has been previously reported to be associated with PDX1-related disorder (PMID: 25041077). However, the evidence of pathogenicity is insufficient at this time. Therefore, this variant is classified as VUS according to the recommendation of ACMG/AMP guideline.

Literature cited by the submitters: PubMed 25041077.

NM_000209.4(PDX1):c.529G>A (p.Val177Met)

Gene: PDX1 (pancreatic and duodenal homeobox 1; plus strand). Cytogenetic location: 13q12.2.
Variant type: single nucleotide variant.
Coding change: c.529G>A on transcript NM_000209.4 (MANE Select); coding-DNA position 529, G replaced by A.
Protein change: p.Val177Met; replaces valine 177 with methionine.
Molecular consequence: missense variant.
Genome position (GRCh38, 1-based): chr13:27,924,378, G>A. VCF-style: chr13-27924378-G-A. GRCh37 (hg19) VCF-style: chr13-28498515-G-A.
Other names: short protein forms V177M.
Identifiers: ClinVar variation 4855289 (VCV004855289.1).